The following is an entry in ClinVar:

NM_018051.5(DYNC2I1):c.675C>G (p.Asn225Lys)

Gene: DYNC2I1 (dynein 2 intermediate chain 1; plus strand). Cytogenetic location: 7q36.3.
Variant type: single nucleotide variant.
Coding change: c.675C>G on transcript NM_018051.5 (MANE Select); coding-DNA position 675, C replaced by G.
Protein change: p.Asn225Lys; replaces asparagine 225 with lysine.
Molecular consequence: missense variant. On other transcripts: 5 prime UTR variant (3).
Genome position (GRCh38, 1-based): chr7:158,879,785, C>G. VCF-style: chr7-158879785-C-G. GRCh37 (hg19) VCF-style: chr7-158672476-C-G.
Other names: c.537C>G, p.Asn179Lys (NM_001350914.2); c.158C>G, p.Thr53Arg (NM_001350915.2); c.-684C>G (NM_001350916.2); c.-692C>G (NM_001350917.2); c.-811C>G (NM_001350918.2); short protein forms N225K, N179K, T53R.
Identifiers: ClinVar variation 516204 (VCV000516204.14), dbSNP rs2709859, ClinGen allele CA4594369.
Genomic context (GRCh38, chr7:158,879,785, plus strand): 5'-GCTTTATAAAGAAGAAGGCGAGAGGAGACACAGGAAGCCCAGAGAGCCAGATCGAGACAA[C>G]AAACACCGAGAAAAAAGCAGCACAAGGGAAAAAAGAGAGAAATATTCCAAAGAGAAAAGT-3'
Protein context (NP_060521.4, residues 215-235): HRKPREPDRD[Asn225Lys]KHREKSSTRE

ClinVar aggregate classification (germline): Benign. Review status: criteria provided, multiple submitters, no conflicts (2 of 4 stars). 6 submissions from 6 submitters: Benign (6). Last evaluated 2026-02-04.

Conditions:
Short-rib thoracic dysplasia 8 with or without polydactyly (SRTD8). Also called: SHORT-RIB THORACIC DYSPLASIA 8 WITH POLYDACTYLY. Identifiers: Orphanet 93271, MedGen C3809691, MONDO:0014214, OMIM 615503.

Allele frequency attached by ClinVar (database versions not stated): ESP Exome Variant Server 0.99096; gnomAD exomes 0.99185; gnomAD 0.99189 and 0.99194; ExAC 0.99196; TOPMed 0.99219; 1000 Genomes Project 0.99581; 1000 Genomes Project 30x 0.99641.

Submissions (6):

Labcorp Genetics (formerly Invitae), Labcorp
Classification: Benign for Short-rib thoracic dysplasia 8 with or without polydactyly. Last evaluated: 2026-02-04. Review status: criteria provided, single submitter. Criteria: Invitae Variant Classification Sherloc (09022015). Collection method: clinical testing. Allele origin: germline.

Blueprint Genetics
Classification: Benign. Last evaluated: 2024-11-27. Review status: criteria provided, single submitter. Criteria: ACMG Guidelines, 2015. Collection method: clinical testing. Allele origin: germline.

Genome-Nilou Lab
Classification: Benign for Short-rib thoracic dysplasia 8 with or without polydactyly. Last evaluated: 2021-12-05. Review status: criteria provided, single submitter. Criteria: ACMG Guidelines, 2015. Collection method: clinical testing. Allele origin: germline. Affected: no.

Mendelics
Classification: Benign for Short-rib thoracic dysplasia 8 with or without polydactyly. Last evaluated: 2019-05-28. Review status: criteria provided, single submitter. Criteria: Mendelics Assertion Criteria 2017. Collection method: clinical testing. Allele origin: unknown.

GeneDx
Classification: Benign. Last evaluated: 2017-09-13. Review status: criteria provided, single submitter. Criteria: GeneDx Variant Classification (06012015). Collection method: clinical testing. Allele origin: germline. Affected: yes.
Comment: This variant is considered likely benign or benign based on one or more of the following criteria: it is a conservative change, it occurs at a poorly conserved position in the protein, it is predicted to be benign by multiple in silico algorithms, and/or has population frequency not consistent with disease.

Breakthrough Genomics
Classification: Benign. Review status: criteria provided, single submitter. Criteria: ACMG Guidelines, 2015. Collection method: not provided. Allele origin: germline. Inheritance: Autosomal recessive inheritance. Affected: yes.